The following is an entry in ClinVar:

NM_000135.4(FANCA):c.2743del (p.Thr915fs)

Gene: FANCA (FA complementation group A; minus strand). Cytogenetic location: 16q24.3.
Variant type: Deletion.
Coding change: c.2743del on transcript NM_000135.4 (MANE Select); coding-DNA position 2743, one base deleted (A; older notation c.2743delA).
Protein change: p.Thr915fs; shifts the reading frame from threonine 915.
Molecular consequence: frameshift variant.
Genome position (GRCh38, 1-based): chr16:89,764,925, T deleted on the plus strand (A on the coding strand, the reverse complement: FANCA is on the minus strand); the first of 2 consecutive T bases (chr16:89,764,925-89,764,926); deleting either gives the same sequence. VCF-style (leftmost placement, unchanged base first): chr16-89764924-GT-G. GRCh37 (hg19) VCF-style: chr16-89831332-GT-G.
Other names: c.2743del, p.Thr915fs (NM_001286167.3); short protein forms T915fs.
Identifiers: ClinVar variation 4880619 (VCV004880619.2).

ClinVar aggregate classification (germline): Likely pathogenic (1 of 4 stars; one submission).

Submission:

Dasa
Classification: Likely pathogenic. Last evaluated: 2025-04-18. Review status: criteria provided, single submitter. Criteria: DASA Assertion Criteria. Collection method: clinical testing. Allele origin: germline.
Comment: NM_000135.4(FANCA):c.2743del (p.Thr915Profs*6) is a frameshift variant in FANCA predicted to alter the reading frame and introduce a premature termination codon and is predicted to result in an absent or altered protein product. Loss of function is an established disease mechanism for FANCA-associated disorders. Published studies describe this variant in association with related phenotype (PMID: 34906449). Also, this variant is absent from population databases. Based on the currently available evidence, this variant is classified as likely pathogenic.

Literature cited by the submitters: PubMed 34906449.